The following is an entry in ClinVar:

ClinVar aggregate classification (germline): Uncertain significance (1 of 4 stars; one submission).

Conditions:
Familial thoracic aortic aneurysm and aortic dissection (TAAD). Also called: Thoracic aortic aneurysms and dissections. Identifiers: Orphanet 91387, MedGen C4707243, MONDO:0019625.

Allele frequency attached by ClinVar (database versions not stated): gnomAD exomes below 0.00001.
gnomAD v4.1: 1 of 1,613,340 alleles (0.000062%); highest among the groups gnomAD compares: Non-Finnish European, 0.000085%; no homozygotes.

Submission:

Labcorp Genetics (formerly Invitae), Labcorp
Classification: Uncertain significance for Familial thoracic aortic aneurysm and aortic dissection. Last evaluated: 2022-03-13. Review status: criteria provided, single submitter. Criteria: Invitae Variant Classification Sherloc (09022015). Collection method: clinical testing. Allele origin: germline.
Comment: Advanced modeling of protein sequence and biophysical properties (such as structural, functional, and spatial information, amino acid conservation, physicochemical variation, residue mobility, and thermodynamic stability) performed at Invitae indicates that this missense variant is not expected to disrupt SMAD3 protein function. In summary, the available evidence is currently insufficient to determine the role of this variant in disease. Therefore, it has been classified as a Variant of Uncertain Significance. This variant has not been reported in the literature in individuals affected with SMAD3-related conditions. This sequence change replaces histidine, which is basic and polar, with arginine, which is basic and polar, at codon 79 of the SMAD3 protein (p.His79Arg). This variant is not present in population databases (gnomAD no frequency).

NM_005902.4(SMAD3):c.236A>G (p.His79Arg)

Gene: SMAD3 (SMAD family member 3; plus strand). Cytogenetic location: 15q22.33.
Variant type: single nucleotide variant.
Coding change: c.236A>G on transcript NM_005902.4 (MANE Select); coding-DNA position 236, A replaced by G.
Protein change: p.His79Arg; replaces histidine 79 with arginine.
Molecular consequence: missense variant. On other transcripts: 5 prime UTR variant (1).
Genome position (GRCh38, 1-based): chr15:67,164,924, A>G. VCF-style: chr15-67164924-A-G. GRCh37 (hg19) VCF-style: chr15-67457262-A-G.
Other names: c.-80A>G (NM_001145102.2, NM_001407015.1, NM_001407016.1); c.104A>G, p.His35Arg (NM_001145103.2); c.236A>G, p.His79Arg (NM_001407011.1, NM_001407012.1, NM_001407013.1); c.89A>G, p.His30Arg (NM_001407014.1); short protein forms H30R, H79R, H35R.
Identifiers: ClinVar variation 2159219 (VCV002159219.4), dbSNP rs2505209368, ClinGen allele CA392953552.